The following is an entry in ClinVar:

ClinVar aggregate classification (germline): Uncertain significance (1 of 4 stars; one submission).

Submission:

CeGaT Center for Human Genetics Tuebingen
Classification: Uncertain significance. Last evaluated: 2026-01-01. Review status: criteria provided, single submitter. Criteria: CeGaT Center For Human Genetics Tuebingen Variant Classification Criteria Version 2. Collection method: clinical testing. Allele origin: germline. Affected: yes. Observed: 1 variant allele.
Comment: GNAS: PM2, BP4

NM_080425.4(GNAS):c.1374C>G (p.Ala458=)

Gene: GNAS (GNAS complex locus; plus strand). Cytogenetic location: 20q13.32.
Variant type: single nucleotide variant.
Coding change: c.1374C>G on transcript NM_080425.4 (MANE Plus Clinical); coding-DNA position 1374, C replaced by G.
Protein change: p.Ala458=; no amino-acid change (alanine 458 retained).
Molecular consequence: synonymous variant. On other transcripts: missense variant (2), intron variant (3).
Genome position (GRCh38, 1-based): chr20:58,854,639, C>G. VCF-style: chr20-58854639-C-G. GRCh37 (hg19) VCF-style: chr20-57429694-C-G.
Other names: c.1187C>G, p.Pro396Arg (NM_001077490.3, NM_001309883.1); c.1374C>G, p.Ala458= (NM_001410913.1); c.*42+13753C>G (NM_016592.5); c.43+13753C>G (NM_001410912.1); c.-39+12764C>G (NM_001309861.2); short protein forms P396R.
Identifiers: ClinVar variation 4822866 (VCV004822866.4).